The following is an entry in ClinVar:

NM_002382.5(MAX):c.250G>T (p.Asp84Tyr)

Gene: MAX (MYC associated transcriptional regulator X; minus strand). Cytogenetic location: 14q23.3.
Variant type: single nucleotide variant.
Coding change: c.250G>T on transcript NM_002382.5 (MANE Select); coding-DNA position 250, G replaced by T.
Protein change: p.Asp84Tyr; replaces aspartic acid 84 with tyrosine.
Molecular consequence: missense variant. On other transcripts: 5 prime UTR variant (6), non-coding transcript variant (7), intron variant (2).
Genome position (GRCh38, 1-based): chr14:65,077,958, C>A on the plus strand (G>T on the coding strand, the complement: MAX is on the minus strand). VCF-style: chr14-65077958-C-A. GRCh37 (hg19) VCF-style: chr14-65544676-C-A.
Other names: c.-25G>T (NM_001407105.1, NM_001407106.1, NM_001407107.1 and 1 more transcripts); c.223G>T, p.Asp75Tyr (NM_001407108.1, NM_001407109.1, NM_001407110.1 and 6 more transcripts); c.-118G>T (NM_001407111.1, NM_001407112.1); c.250G>T, p.Asp84Tyr (NM_145113.3, NM_001407096.1, NM_001407097.1 and 3 more transcripts); c.144+15750G>T (NM_001271069.2); c.171+15750G>T (NM_197957.4); c.142G>T, p.Asp48Tyr (NM_001407098.1); short protein forms D48Y, D75Y, D84Y.
Identifiers: ClinVar variation 4730787 (VCV004730787.2).
Genomic context (GRCh38, chr14:65,077,958, plus strand): 5'-AGCTCGGGTGCTCACCTTGCTGCTCCAGAAGAGCATTCTGCCGCTTGAGGTCGTCAATAT[C>A]TTGCTGGTGTGTGTGGTTTTTCCTTCGCATATACTGGATATATTCTGTGGCTTTGTCTAG-3'
Protein context (NP_002373.3, residues 74-94): MRRKNHTHQQ[Asp84Tyr]IDDLKRQNAL

ClinVar aggregate classification (germline): Uncertain significance. Review status: criteria provided, multiple submitters, no conflicts (2 of 4 stars). 2 submissions from 2 submitters: Uncertain significance (2). Last evaluated 2026-07-07.

Conditions:
Hereditary pheochromocytoma and paraganglioma. Also called: Hereditary pheochromocytoma-paraganglioma; Hereditary Paraganglioma-Pheochromocytoma Syndromes; Hereditary paragangliomas and pheochromocytomas. Identifiers: Orphanet 29072, MedGen C4274332, MONDO:0017366.
Hereditary cancer-predisposing syndrome. Also called: Hereditary Cancer Syndrome; Hereditary neoplastic syndrome; Neoplastic Syndromes, Hereditary; Tumor predisposition. Identifiers: Orphanet 140162, MedGen C0027672, MeSH D009386, MONDO:0015356.

Submissions (2):

Ambry Genetics
Classification: Uncertain significance for Hereditary cancer-predisposing syndrome. Last evaluated: 2026-07-07. Review status: criteria provided, single submitter. Criteria: Ambry Variant Classification Scheme 2023. Collection method: clinical testing. Allele origin: germline.
Comment: The p.D84Y variant (also known as c.250G>T), located in coding exon 4 of the MAX gene, results from a G to T substitution at nucleotide position 250. The aspartic acid at codon 84 is replaced by tyrosine, an amino acid with highly dissimilar properties. This amino acid position is conserved. In addition, this alteration is predicted to be deleterious by in silico analysis. Based on the available evidence, the clinical significance of this variant remains unclear.

Labcorp Genetics (formerly Invitae), Labcorp
Classification: Uncertain significance for Hereditary pheochromocytoma and paraganglioma. Last evaluated: 2025-11-09. Review status: criteria provided, single submitter. Criteria: Invitae Variant Classification Sherloc (09022015). Collection method: clinical testing. Allele origin: germline.
Comment: This sequence change replaces aspartic acid, which is acidic and polar, with tyrosine, which is neutral and polar, at codon 84 of the MAX protein (p.Asp84Tyr). This variant is not present in population databases (gnomAD no frequency). This variant has not been reported in the literature in individuals affected with MAX-related conditions. An algorithm developed to predict the effect of missense changes on protein structure and function (PolyPhen-2) suggests that this variant is likely to be disruptive. In summary, the available evidence is currently insufficient to determine the role of this variant in disease. Therefore, it has been classified as a Variant of Uncertain Significance.